The following is an entry in ClinVar:

NM_006206.6(PDGFRA):c.1400A>G (p.Asn467Ser)

Gene: PDGFRA (platelet derived growth factor receptor alpha; plus strand). Cytogenetic location: 4q12.
Variant type: single nucleotide variant.
Coding change: c.1400A>G on transcript NM_006206.6 (MANE Select); coding-DNA position 1400, A replaced by G.
Protein change: p.Asn467Ser; replaces asparagine 467 with serine.
Molecular consequence: missense variant.
Genome position (GRCh38, 1-based): chr4:54,273,572, A>G. VCF-style: chr4-54273572-A-G. GRCh37 (hg19) VCF-style: chr4-55139739-A-G.
Other names: c.1400A>G, p.Asn467Ser (NM_001347827.2, NM_001347829.2); c.1475A>G, p.Asn492Ser (NM_001347828.2); c.1439A>G, p.Asn480Ser (NM_001347830.2); short protein forms N467S, N480S, N492S.
Identifiers: ClinVar variation 4134012 (VCV004134012.1).

ClinVar aggregate classification (germline): Uncertain significance (1 of 4 stars; one submission).

Conditions:
Hereditary cancer-predisposing syndrome. Also called: Hereditary neoplastic syndrome; Neoplastic Syndromes, Hereditary; Tumor predisposition; Hereditary Cancer Syndrome. Identifiers: Orphanet 140162, MedGen C0027672, MeSH D009386, MONDO:0015356.

Submission:

Ambry Genetics
Classification: Uncertain significance for Hereditary cancer-predisposing syndrome. Last evaluated: 2025-08-29. Review status: criteria provided, single submitter. Criteria: Ambry Variant Classification Scheme 2023. Collection method: clinical testing. Allele origin: germline.
Comment: The p.N467S variant (also known as c.1400A>G), located in coding exon 9 of the PDGFRA gene, results from an A to G substitution at nucleotide position 1400. The asparagine at codon 467 is replaced by serine, an amino acid with highly similar properties. This amino acid position is conserved. In addition, this alteration is predicted to be tolerated by in silico analysis. Based on the available evidence, the clinical significance of this variant remains unclear.